The following is an entry in ClinVar:

ClinVar aggregate classification (germline): Likely pathogenic (1 of 4 stars; one submission).

Allele frequency attached by ClinVar (database versions not stated): TOPMed below 0.00001.

Submission:

Labcorp Genetics (formerly Invitae), Labcorp
Classification: Likely pathogenic. Last evaluated: 2023-03-26. Review status: criteria provided, single submitter. Criteria: Invitae Variant Classification Sherloc (09022015). Collection method: clinical testing. Allele origin: germline.
Comment: This sequence change affects a donor splice site in intron 27 of the SBF1 gene. It is expected to disrupt RNA splicing. Variants that disrupt the donor or acceptor splice site typically lead to a loss of protein function (PMID: 16199547), and loss-of-function variants in SBF1 are known to be pathogenic (PMID: 28005197, 28902413). This variant is not present in population databases (gnomAD no frequency). This variant has not been reported in the literature in individuals affected with SBF1-related conditions. Algorithms developed to predict the effect of sequence changes on RNA splicing suggest that this variant may disrupt the consensus splice site. In summary, the currently available evidence indicates that the variant is pathogenic, but additional data are needed to prove that conclusively. Therefore, this variant has been classified as Likely Pathogenic.

Literature cited by the submitters: PubMed 16199547; PubMed 28005197; PubMed 28902413.

NM_002972.4(SBF1):c.3688+1G>A

Gene: SBF1 (SET binding factor 1; minus strand). Cytogenetic location: 22q13.33.
Variant type: single nucleotide variant.
Coding change: c.3688+1G>A on transcript NM_002972.4 (MANE Select); the canonical splice donor site of the intron after coding-DNA position 3688, G replaced by A.
Molecular consequence: splice donor variant.
Genome position (GRCh38, 1-based): chr22:50,459,469, C>T on the plus strand (G>A on the coding strand, the complement: SBF1 is on the minus strand). VCF-style: chr22-50459469-C-T. GRCh37 (hg19) VCF-style: chr22-50897898-C-T.
Other names: c.3688+1G>A (NM_001410795.1); c.3691+1G>A (NM_001365819.1, NM_001410794.1).
Identifiers: ClinVar variation 2799880 (VCV002799880.3), dbSNP rs1333307427, ClinGen allele CA412203671.
Genomic context (GRCh38, chr22:50,459,469, plus strand): 5'-AGCTGAGGGAGGGGAGGGTGAGATAGGGCAGGGCAGGCACAGGGCAGGACGCAGGAGGTA[C>T]CTGGAGAAGGTGCGTTCTGGGCCTTGAAGAGGCCGACGACACCTTTGCCATGCAGGCCTC-3'